The following is an entry in ClinVar:

NM_000368.5(TSC1):c.2626-2dup

Gene: TSC1 (TSC complex subunit 1; minus strand). Cytogenetic location: 9q34.13.
Variant type: Duplication.
Coding change: c.2626-2dup on transcript NM_000368.5 (MANE Select); the canonical splice acceptor site of the intron before coding-DNA position 2626, one base duplicated (A; older notation c.2626-2dupA).
Molecular consequence: splice acceptor variant.
Genome position (GRCh38, 1-based): chr9:132,897,612, T duplicated on the plus strand (A on the coding strand, the reverse complement: TSC1 is on the minus strand). VCF-style (leftmost placement, unchanged base first): chr9-132897611-C-CT. GRCh37 (hg19) VCF-style: chr9-135772998-C-CT.
Other names: c.2260-2dup (NM_001406623.1, NM_001406620.1, NM_001406621.1 and 1 more transcripts); c.2263-2dup (NM_001406615.1, NM_001406618.1, NM_001406617.1 and 4 more transcripts); c.2623-2dup (NM_001406599.1, NM_001406597.1, NM_001406600.1 and 2 more transcripts); c.2626-2dup (NM_001406594.1, NM_001406592.1, NM_001406595.1 and 2 more transcripts); c.2218-2dup (NM_001406625.1); c.2428-2dup (NM_001406613.1); c.2470-2dup (NM_001406612.1, NM_001406611.1); c.2473-2dup (NM_001406610.1, NM_001162427.2); and 8 more.
Identifiers: ClinVar variation 3069311 (VCV003069311.1), dbSNP rs2131640407, ClinGen allele CA2579494087.
Genomic context (GRCh38, chr9:132,897,611, plus strand): 5'-AACATGGCTTCTGTTTTTTTCTAGCTCTTTCCGATAGGCGGCTTTCATCATTTCTACTTC[C>CT]TGAAAAAAAAAAAAAAAAAAGACTGGAATTAGTACTTATAAAAAATAAACATGCTGTATC-3'

ClinVar aggregate classification (germline): Uncertain significance (1 of 4 stars; one submission).

Conditions:
Tuberous sclerosis syndrome (TSC). Also called: Tuberous sclerosis; Tuberous Sclerosis Complex. Identifiers: Orphanet 805, MedGen C0041341, MONDO:0001734.

Allele frequency attached by ClinVar (database versions not stated): gnomAD exomes 0.00002.

Submission:

All of Us Research Program, National Institutes of Health
Classification: Uncertain significance for Tuberous sclerosis syndrome. Last evaluated: 2023-05-23. Review status: criteria provided, single submitter. Criteria: ACMG Guidelines, 2015. Collection method: clinical testing. Allele origin: germline. Inheritance: Autosomal dominant inheritance. Observed: 2 variant alleles, 2 heterozygotes.
Comment: This variant causes a duplication of adenine at the -2 position of the splice acceptor region in intron 20 of the TSC1 gene. To our knowledge, RNA studies have not been reported for this variant. This variant has not been reported in individuals affected with tuberous sclerosis complex (TSC) in the literature. This variant has not been identified in the general population by the Genome Aggregation Database (gnomAD). The available evidence is insufficient to determine the role of this variant in disease conclusively. Therefore, this variant is classified as a Variant of Uncertain Significance.

This study involves interpretation of variants in research participants for the purpose of population health screening. Participant phenotype was not available at the time of variant classification. Additional details can be found in publication PMID: 35346344, PMCID: PMC8962531